The following is an entry in ClinVar:

ClinVar aggregate classification (germline): Uncertain significance (1 of 4 stars; one submission).

Allele frequency attached by ClinVar (database versions not stated): gnomAD exomes below 0.00001; TOPMed below 0.00001.
gnomAD v4.1: 2 of 1,613,268 alleles (0.00012%); highest among the groups gnomAD compares: Non-Finnish European, 0.00017%; no homozygotes.

Submission:

Labcorp Genetics (formerly Invitae), Labcorp
Classification: Uncertain significance. Last evaluated: 2024-10-29. Review status: criteria provided, single submitter. Criteria: Invitae Variant Classification Sherloc (09022015). Collection method: clinical testing. Allele origin: germline.
Comment: This sequence change replaces arginine, which is basic and polar, with histidine, which is basic and polar, at codon 54 of the KCNJ13 protein (p.Arg54His). This variant is not present in population databases (gnomAD no frequency). This variant has not been reported in the literature in individuals affected with KCNJ13-related conditions. ClinVar contains an entry for this variant (Variation ID: 855246). Invitae Evidence Modeling of protein sequence and biophysical properties (such as structural, functional, and spatial information, amino acid conservation, physicochemical variation, residue mobility, and thermodynamic stability) has been performed for this missense variant. However, the output from this modeling did not meet the statistical confidence thresholds required to predict the impact of this variant on KCNJ13 protein function. In summary, the available evidence is currently insufficient to determine the role of this variant in disease. Therefore, it has been classified as a Variant of Uncertain Significance.

NM_002242.4(KCNJ13):c.161G>A (p.Arg54His)

Genes: GIGYF2 (GRB10 interacting GYF protein 2; plus strand), KCNJ13 (potassium inwardly rectifying channel subfamily J member 13; minus strand). Cytogenetic location: 2q37.1.
Variant type: single nucleotide variant.
Coding change: c.161G>A on transcript NM_002242.4 (MANE Select); coding-DNA position 161, G replaced by A.
Protein change: p.Arg54His; replaces arginine 54 with histidine.
Molecular consequence: missense variant. On other transcripts: intron variant (5).
Genome position (GRCh38, 1-based): chr2:232,771,202, C>T on the plus strand (G>A on the coding strand, the complement: KCNJ13 is on the minus strand). VCF-style: chr2-232771202-C-T. GRCh37 (hg19) VCF-style: chr2-233635912-C-T.
Other names: c.161G>A, p.Arg54His (NM_001172416.1); c.532+9766C>T (NM_001103146.3, NM_015575.4, NM_001103148.2); c.533-5210C>T (NM_001103147.2); c.-23-57G>A (NM_001172417.1); short protein forms R54H.
Identifiers: ClinVar variation 855246 (VCV000855246.9), dbSNP rs1699230982, ClinGen allele CA351014039.